The following is an entry in ClinVar:

NM_004415.4(DSP):c.6760C>A (p.Leu2254Ile)

Gene: DSP (desmoplakin; plus strand). Cytogenetic location: 6p24.3.
Variant type: single nucleotide variant.
Coding change: c.6760C>A on transcript NM_004415.4 (MANE Select); coding-DNA position 6760, C replaced by A.
Protein change: p.Leu2254Ile; replaces leucine 2254 with isoleucine.
Molecular consequence: missense variant.
Genome position (GRCh38, 1-based): chr6:7,584,022, C>A. VCF-style: chr6-7584022-C-A. GRCh37 (hg19) VCF-style: chr6-7584255-C-A.
Other names: c.4963C>A, p.Leu1655Ile (NM_001008844.3); c.5431C>A, p.Leu1811Ile (NM_001319034.2); short protein forms L1655I, L1811I, L2254I.
Identifiers: ClinVar variation 3386708 (VCV003386708.1).
Genomic context (GRCh38, chr6:7,584,022, plus strand): 5'-AATGAACTGGAATCTGGTCAGATTTCTTATGACGAGGTTGGTGAGAGAATTAAGGACTTC[C>A]TCCAGGGTTCAAGCTGCATAGCAGGCATATACAATGAGACCACAAAACAGAAGCTTGGCA-3'
Protein context (NP_004406.2, residues 2244-2264): DEVGERIKDF[Leu2254Ile]QGSSCIAGIY

ClinVar aggregate classification (germline): Uncertain significance (1 of 4 stars; one submission).

Conditions:
Arrhythmogenic cardiomyopathy with wooly hair and keratoderma. Also called: Carvajal syndrome; PALMOPLANTAR KERATODERMA WITH LEFT VENTRICULAR CARDIOMYOPATHY AND WOOLLY HAIR; Dilated cardiomyopathy with woolly hair and keratoderma; Arrhythmogenic cardiomyopathy with woolly hair and keratoderma. Identifiers: Orphanet 65282, MedGen C1854063, MONDO:0011581, OMIM 605676.

Submission:

All of Us Research Program, National Institutes of Health
Classification: Uncertain significance for Arrhythmogenic cardiomyopathy with wooly hair and keratoderma. Last evaluated: 2024-03-24. Review status: criteria provided, single submitter. Criteria: ACMG Guidelines, 2015. Collection method: clinical testing. Allele origin: germline. Inheritance: Autosomal dominant inheritance. Observed: 2 variant alleles, 2 heterozygotes.
Comment: This missense variant replaces leucine with isoleucine at codon 2254 of the DSP protein. Computational prediction is inconclusive regarding the impact of this variant on protein structure and function (internally defined REVEL score threshold 0.5 < inconclusive < 0.7, PMID: 27666373). To our knowledge, functional studies have not been reported for this variant. This variant has not been reported in individuals affected with DSP-related disorders in the literature. This variant has not been identified in the general population by the Genome Aggregation Database (gnomAD). The available evidence is insufficient to determine the role of this variant in disease conclusively. Therefore, this variant is classified as a Variant of Uncertain Significance.

This study involves interpretation of variants in research participants for the purpose of population health screening. Participant phenotype was not available at the time of variant classification. Additional details can be found in publication PMID: 35346344, PMCID: PMC8962531